The following is an entry in ClinVar:

ClinVar aggregate classification (germline): Uncertain significance (1 of 4 stars; one submission).

Submission:

ARUP Laboratories, Molecular Genetics and Genomics, ARUP Laboratories
Classification: Uncertain significance. Last evaluated: 2019-11-22. Review status: criteria provided, single submitter. Criteria: ARUP Molecular Germline Variant Investigation Process. Collection method: clinical testing. Allele origin: germline.
Comment: The FBN1 c.3467T>G; p.Ile1156Ser variant, to our knowledge, is not reported in the medical literature or gene specific databases. This variant is also absent from general population databases (Exome Variant Server, Genome Aggregation Database), but is considered a low confidence variant. The isoleucine at codon 1156 is moderately conserved, and computational analyses (SIFT, PolyPhen-2) predict that this variant is deleterious. Due to limited information, the clinical significance of the p.Ile1156Ser variant is uncertain at this time.

NM_000138.5(FBN1):c.3467T>G (p.Ile1156Ser)

Gene: FBN1 (fibrillin 1; minus strand). Cytogenetic location: 15q21.1.
Variant type: single nucleotide variant.
Coding change: c.3467T>G on transcript NM_000138.5 (MANE Select); coding-DNA position 3467, T replaced by G.
Protein change: p.Ile1156Ser; replaces isoleucine 1156 with serine.
Molecular consequence: missense variant.
Genome position (GRCh38, 1-based): chr15:48,487,197, A>C on the plus strand (T>G on the coding strand, the complement: FBN1 is on the minus strand). VCF-style: chr15-48487197-A-C. GRCh37 (hg19) VCF-style: chr15-48779394-A-C.
Other names: short protein forms I1156S.
Identifiers: ClinVar variation 993755 (VCV000993755.8), dbSNP rs2043515378, ClinGen allele CA392326023.